The following is an entry in ClinVar:

ClinVar aggregate classification (germline): Uncertain significance (1 of 4 stars; one submission).

gnomAD v4.1: 1 of 1,614,082 alleles (0.000062%); highest among the groups gnomAD compares: East Asian, 0.0022%; no homozygotes.

Submission:

GeneDx
Classification: Uncertain significance. Last evaluated: 2024-12-04. Review status: criteria provided, single submitter. Criteria: GeneDx Variant Classification Process June 2021. Collection method: clinical testing. Allele origin: germline. Affected: yes.
Comment: In silico analysis indicates that this missense variant does not alter protein structure/function; Has not been previously published as pathogenic or benign to our knowledge

NM_002860.4(ALDH18A1):c.1930A>G (p.Ile644Val)

Gene: ALDH18A1 (aldehyde dehydrogenase 18 family member A1; minus strand). Cytogenetic location: 10q24.1.
Variant type: single nucleotide variant.
Coding change: c.1930A>G on transcript NM_002860.4 (MANE Select); coding-DNA position 1930, A replaced by G.
Protein change: p.Ile644Val; replaces isoleucine 644 with valine.
Molecular consequence: missense variant.
Genome position (GRCh38, 1-based): chr10:95,611,436, T>C on the plus strand (A>G on the coding strand, the complement: ALDH18A1 is on the minus strand). VCF-style: chr10-95611436-T-C. GRCh37 (hg19) VCF-style: chr10-97371193-T-C.
Other names: c.1924A>G, p.Ile642Val (NM_001017423.2, NM_001323415.2); c.1597A>G, p.Ile533Val (NM_001323412.2, NM_001323416.2); c.1930A>G, p.Ile644Val (NM_001323413.2, NM_001323414.2); c.1825A>G, p.Ile609Val (NM_001323417.2); c.1591A>G, p.Ile531Val (NM_001323418.2); c.1294A>G, p.Ile432Val (NM_001323419.2); short protein forms I432V, I531V, I533V, I609V, I642V, I644V.
Identifiers: ClinVar variation 3901744 (VCV003901744.1).